The following is an entry in ClinVar:

NM_000038.6(APC):c.5093A>G (p.Asp1698Gly)

Gene: APC (APC regulator of Wnt signaling pathway; plus strand). Cytogenetic location: 5q22.2.
Variant type: single nucleotide variant.
Coding change: c.5093A>G on transcript NM_000038.6 (MANE Select); coding-DNA position 5093, A replaced by G.
Protein change: p.Asp1698Gly; replaces aspartic acid 1698 with glycine.
Molecular consequence: missense variant.
Genome position (GRCh38, 1-based): chr5:112,840,687, A>G. VCF-style: chr5-112840687-A-G. GRCh37 (hg19) VCF-style: chr5-112176384-A-G.
Other names: c.5093A>G, p.Asp1698Gly (NM_001127510.3, NM_001354895.2, NM_001407450.1); c.5039A>G, p.Asp1680Gly (NM_001127511.3); c.5147A>G, p.Asp1716Gly (NM_001354896.2, NM_001407447.1, NM_001407448.1 and 1 more transcripts); c.5123A>G, p.Asp1708Gly (NM_001354897.2); c.5018A>G, p.Asp1673Gly (NM_001354898.2); c.5009A>G, p.Asp1670Gly (NM_001354899.2); c.4970A>G, p.Asp1657Gly (NM_001354900.2); c.4916A>G, p.Asp1639Gly (NM_001354901.2, NM_001407453.1); and 11 more; short protein forms D1569G, D1572G, D1657G, D1670G, D1688G, D1716G, D1538G, D1597G.
Identifiers: ClinVar variation 1745285 (VCV001745285.9), dbSNP rs1765845000, ClinGen allele CA16032465.

ClinVar aggregate classification (germline): Uncertain significance. Review status: criteria provided, multiple submitters, no conflicts (2 of 4 stars). 4 submissions from 4 submitters: Uncertain significance (4). Last evaluated 2025-09-16.

Conditions:
Classic or attenuated familial adenomatous polyposis. Identifiers: MedGen CN372698, MONDO:0021057.
Hereditary cancer-predisposing syndrome. Also called: Hereditary Cancer Syndrome; Neoplastic Syndromes, Hereditary; Tumor predisposition; Hereditary neoplastic syndrome. Identifiers: Orphanet 140162, MedGen C0027672, MeSH D009386, MONDO:0015356.
Familial adenomatous polyposis 1 (FAP1). Also called: FAMILIAL ADENOMATOUS POLYPOSIS 1, ATTENUATED; POLYPOSIS, ADENOMATOUS INTESTINAL. Identifiers: MedGen C2713442, MONDO:0021056, OMIM 175100. Disease mechanism: loss of function.

Submissions (4):

Labcorp Genetics (formerly Invitae), Labcorp
Classification: Uncertain significance for Familial adenomatous polyposis 1. Last evaluated: 2025-09-16. Review status: criteria provided, single submitter. Criteria: Invitae Variant Classification Sherloc (09022015). Collection method: clinical testing. Allele origin: germline.
Comment: This sequence change replaces aspartic acid, which is acidic and polar, with glycine, which is neutral and non-polar, at codon 1698 of the APC protein (p.Asp1698Gly). This variant is not present in population databases (gnomAD no frequency). This variant has not been reported in the literature in individuals affected with APC-related conditions. ClinVar contains an entry for this variant (Variation ID: 1745285). Invitae Evidence Modeling of protein sequence and biophysical properties (such as structural, functional, and spatial information, amino acid conservation, physicochemical variation, residue mobility, and thermodynamic stability) indicates that this missense variant is not expected to disrupt APC protein function with a negative predictive value of 95%. In summary, the available evidence is currently insufficient to determine the role of this variant in disease. Therefore, it has been classified as a Variant of Uncertain Significance.

Molecular Pathology, Peter Maccallum Cancer Centre
Classification: Uncertain significance for Familial adenomatous polyposis 1. Last evaluated: 2025-05-26. Review status: criteria provided, single submitter. Criteria: ACMG Guidelines, 2015. Collection method: clinical testing. Allele origin: germline. Inheritance: Autosomal dominant inheritance.

All of Us Research Program, National Institutes of Health
Classification: Uncertain significance for Classic or attenuated familial adenomatous polyposis. Last evaluated: 2023-12-01. Review status: criteria provided, single submitter. Criteria: ACMG Guidelines, 2015. Collection method: clinical testing. Allele origin: germline. Inheritance: Autosomal dominant inheritance. Observed: 1 variant allele, 1 heterozygote.
Comment: This missense variant replaces aspartic acid with glycine at codon 1698 of the APC protein. Computational prediction suggests that this variant may not impact protein structure and function (internally defined REVEL score threshold <= 0.5, PMID: 27666373). Splice site prediction tools suggest that this variant may impact RNA splicing. To our knowledge, functional studies have not been reported for this variant. This variant has not been reported in individuals affected with hereditary cancer in the literature. This variant has not been identified in the general population by the Genome Aggregation Database (gnomAD). The available evidence is insufficient to determine the role of this variant in disease conclusively. Therefore, this variant is classified as a Variant of Uncertain Significance.

This study involves interpretation of variants in research participants for the purpose of population health screening. Participant phenotype was not available at the time of variant classification. Additional details can be found in publication PMID: 35346344, PMCID: PMC8962531

Ambry Genetics
Classification: Uncertain significance for Hereditary cancer-predisposing syndrome. Last evaluated: 2021-12-29. Review status: criteria provided, single submitter. Criteria: Ambry Variant Classification Scheme 2023. Collection method: clinical testing. Allele origin: germline.
Comment: The p.D1698G variant (also known as c.5093A>G), located in coding exon 15 of the APC gene, results from an A to G substitution at nucleotide position 5093. The aspartic acid at codon 1698 is replaced by glycine, an amino acid with similar properties. This amino acid position is well conserved in available vertebrate species. In addition, in silico predictors for this gene do not accurately predict pathogenicity. Since supporting evidence is limited at this time, the clinical significance of this alteration remains unclear.